The following is an entry in ClinVar:

ClinVar aggregate classification (germline): Uncertain significance (1 of 4 stars; one submission).

Conditions:
Catecholaminergic polymorphic ventricular tachycardia 1. Also called: VENTRICULAR TACHYCARDIA, CATECHOLAMINERGIC POLYMORPHIC, 1, WITH OR WITHOUT ATRIAL DYSFUNCTION AND/OR DILATED CARDIOMYOPATHY; VENTRICULAR TACHYCARDIA, STRESS-INDUCED POLYMORPHIC 1; RYR2-Related Catecholaminergic Polymorphic Ventricular Tachycardia. Identifiers: Orphanet 3286, MedGen C1631597, MONDO:0011484, OMIM 604772.

Allele frequency attached by ClinVar (database versions not stated): gnomAD exomes below 0.00001.
gnomAD v4.1: 4 of 1,606,920 alleles (0.00025%); highest among the groups gnomAD compares: Non-Finnish European, 0.00034%; no homozygotes.

Submission:

Labcorp Genetics (formerly Invitae), Labcorp
Classification: Uncertain significance for Catecholaminergic polymorphic ventricular tachycardia 1. Last evaluated: 2025-06-09. Review status: criteria provided, single submitter. Criteria: Invitae Variant Classification Sherloc (09022015). Collection method: clinical testing. Allele origin: germline.
Comment: This sequence change replaces lysine, which is basic and polar, with glutamic acid, which is acidic and polar, at codon 3776 of the RYR2 protein (p.Lys3776Glu). This variant is not present in population databases (gnomAD no frequency). This variant has not been reported in the literature in individuals affected with RYR2-related conditions. ClinVar contains an entry for this variant (Variation ID: 576894). An algorithm developed to predict the effect of missense changes on protein structure and function (PolyPhen-2) suggests that this variant is likely to be tolerated. In summary, the available evidence is currently insufficient to determine the role of this variant in disease. Therefore, it has been classified as a Variant of Uncertain Significance.

NM_001035.3(RYR2):c.11326A>G (p.Lys3776Glu)

Gene: RYR2 (ryanodine receptor 2; plus strand). Cytogenetic location: 1q43.
Variant type: single nucleotide variant.
Coding change: c.11326A>G on transcript NM_001035.3 (MANE Select); coding-DNA position 11326, A replaced by G.
Protein change: p.Lys3776Glu; replaces lysine 3776 with glutamic acid.
Molecular consequence: missense variant.
Genome position (GRCh38, 1-based): chr1:237,759,776, A>G. VCF-style: chr1-237759776-A-G. GRCh37 (hg19) VCF-style: chr1-237923076-A-G.
Other names: c.11326A>G, p.Lys3776Glu (LRG_402t1); short protein forms K3776E.
Identifiers: ClinVar variation 576894 (VCV000576894.10), dbSNP rs1558357338, ClinGen allele CA345428270.
Genomic context (GRCh38, chr1:237,759,776, plus strand): 5'-TTATTTAACAAACAATAAGATTTTTGTTCAGTGGCCACGTGGTTTCTATAATTCCCATAG[A>G]AAATGCTTGACTACCTCAAGGAGAAAAAGGATGTGGGCTTCTTTCAGAGCCTGGCCGGCC-3'
Protein context (NP_001026.2, residues 3766-3786): LNGGNSTVQQ[Lys3776Glu]MLDYLKEKKD